The following is an entry in ClinVar:

ClinVar aggregate classification (germline): Uncertain significance. Review status: criteria provided, multiple submitters, no conflicts (2 of 4 stars). 2 submissions from 2 submitters: Uncertain significance (2). Last evaluated 2025-11-24.

Conditions:
DICER1-related tumor predisposition. Also called: DICER1 syndrome; DICER1-related pleuropulmonary blastoma cancer predisposition syndrome. Identifiers: Orphanet 284343, MedGen C3839822, MONDO:0100216.
Hereditary cancer-predisposing syndrome. Also called: Neoplastic Syndromes, Hereditary; Tumor predisposition; Hereditary Cancer Syndrome; Hereditary neoplastic syndrome. Identifiers: Orphanet 140162, MedGen C0027672, MeSH D009386, MONDO:0015356.

Submissions (2):

Labcorp Genetics (formerly Invitae), Labcorp
Classification: Uncertain significance for DICER1-related tumor predisposition. Last evaluated: 2025-11-24. Review status: criteria provided, single submitter. Criteria: Invitae Variant Classification Sherloc (09022015). Collection method: clinical testing. Allele origin: germline.
Comment: This sequence change replaces glycine, which is neutral and non-polar, with alanine, which is neutral and non-polar, at codon 774 of the DICER1 protein (p.Gly774Ala). This variant is not present in population databases (gnomAD no frequency). This variant has not been reported in the literature in individuals affected with DICER1-related conditions. ClinVar contains an entry for this variant (Variation ID: 4240488). Invitae Evidence Modeling of protein sequence and biophysical properties (such as structural, functional, and spatial information, amino acid conservation, physicochemical variation, residue mobility, and thermodynamic stability) indicates that this missense variant is not expected to disrupt DICER1 protein function with a negative predictive value of 95%. In summary, the available evidence is currently insufficient to determine the role of this variant in disease. Therefore, it has been classified as a Variant of Uncertain Significance.

Ambry Genetics
Classification: Uncertain significance for Hereditary cancer-predisposing syndrome. Last evaluated: 2025-06-19. Review status: criteria provided, single submitter. Criteria: Ambry Variant Classification Scheme 2023. Collection method: clinical testing. Allele origin: germline.
Comment: The p.G774A variant (also known as c.2321G>C), located in coding exon 14 of the DICER1 gene, results from a G to C substitution at nucleotide position 2321. The glycine at codon 774 is replaced by alanine, an amino acid with similar properties. This amino acid position is conserved. In addition, the in silico prediction for this alteration is inconclusive. Based on the available evidence, the clinical significance of this variant remains unclear.

NM_177438.3(DICER1):c.2321G>C (p.Gly774Ala)

Gene: DICER1 (dicer 1, ribonuclease III; minus strand). Cytogenetic location: 14q32.13.
Variant type: single nucleotide variant.
Coding change: c.2321G>C on transcript NM_177438.3 (MANE Select); coding-DNA position 2321, G replaced by C.
Protein change: p.Gly774Ala; replaces glycine 774 with alanine.
Molecular consequence: missense variant. On other transcripts: non-coding transcript variant (6).
Genome position (GRCh38, 1-based): chr14:95,108,439, C>G on the plus strand (G>C on the coding strand, the complement: DICER1 is on the minus strand). VCF-style: chr14-95108439-C-G. GRCh37 (hg19) VCF-style: chr14-95574776-C-G.
Other names: c.2321G>C, p.Gly774Ala (NM_001395678.1, NM_001395679.1, NM_001395680.1 and 12 more transcripts); c.2039G>C, p.Gly680Ala (NM_001395686.1); c.1916G>C, p.Gly639Ala (NM_001395687.1, NM_001395688.1, NM_001395689.1 and 2 more transcripts); c.1754G>C, p.Gly585Ala (NM_001395691.1); c.638G>C, p.Gly213Ala (NM_001395697.1); short protein forms G639A, G774A, G213A, G680A, G585A.
Identifiers: ClinVar variation 4240488 (VCV004240488.2).